The following is an entry in ClinVar:

ClinVar aggregate classification (germline): Uncertain significance (1 of 4 stars; one submission).

Conditions:
Hereditary pancreatitis (PCTT). Also called: Hereditary chronic pancreatitis; PRSS1-Related Hereditary Pancreatitis. Identifiers: Orphanet 676, MedGen C0238339, MONDO:0008185, OMIM 167800.

Allele frequency attached by ClinVar (database versions not stated): ExAC 0.00001; gnomAD 0.00005.

Submission:

Ambry Genetics
Classification: Uncertain significance for Hereditary pancreatitis. Last evaluated: 2024-11-16. Review status: criteria provided, single submitter. Criteria: Ambry Variant Classification Scheme 2023. Collection method: clinical testing. Allele origin: germline.
Comment: The p.R72T variant (also known as c.215G>C), located in coding exon 3 of the PRSS1 gene, results from a G to C substitution at nucleotide position 215. The arginine at codon 72 is replaced by threonine, an amino acid with similar properties. Based on data from ExAC, the C allele has an overall frequency of <0.01% (1/106208). In addition, this alteration is predicted to be deleterious by in silico analysis. Since supporting evidence is limited at this time, the clinical significance of this alteration remains unclear.

NM_002769.5(PRSS1):c.215G>C (p.Arg72Thr)

Genes: TRB (T cell receptor beta locus; plus strand), PRSS1 (serine protease 1; plus strand). Cytogenetic location: 7q34.
Variant type: single nucleotide variant.
Coding change: c.215G>C on transcript NM_002769.5 (MANE Select); coding-DNA position 215, G replaced by C.
Protein change: p.Arg72Thr; replaces arginine 72 with threonine.
Molecular consequence: missense variant. On other transcripts: non-coding transcript variant (2).
Genome position (GRCh38, 1-based): chr7:142,751,788, G>C. VCF-style: chr7-142751788-G-C. GRCh37 (hg19) VCF-style: chr7-142459639-G-C.
Other names: short protein forms R72T.
Identifiers: ClinVar variation 1786876 (VCV001786876.3), dbSNP rs769266571, ClinGen allele CA4529880.